The following is an entry in ClinVar:

ClinVar aggregate classification (germline): Pathogenic (1 of 4 stars; one submission).

Conditions:
Familial cancer of breast. Also called: Hereditary breast cancer; BREAST CANCER, FAMILIAL; hereditary breast carcinoma. Identifiers: Orphanet 227535, MedGen C0346153, MONDO:0016419, OMIM 114480. Disease mechanism: loss of function.

Submission:

Myriad Genetics, Inc.
Classification: Pathogenic for Familial cancer of breast. Last evaluated: 2023-01-13. Review status: criteria provided, single submitter. Criteria: Myriad Autosomal Dominant, Autosomal Recessive and X-Linked Classification Criteria (2023). Collection method: clinical testing. Allele origin: unknown.
Comment: This variant is considered pathogenic. This variant creates a frameshift predicted to result in premature protein truncation.

NM_000051.4(ATM):c.3289_3299delinsGTGTCCA (p.Phe1097fs)

Gene: ATM (ATM serine/threonine kinase; plus strand). Cytogenetic location: 11q22.3.
Variant type: Indel.
Coding change: c.3289_3299delinsGTGTCCA on transcript NM_000051.4 (MANE Select); coding-DNA positions 3289 to 3299, TTCCAGGACAC replaced by GTGTCCA.
Protein change: p.Phe1097fs; shifts the reading frame from phenylalanine 1097.
Molecular consequence: frameshift variant.
Genome position (GRCh38, 1-based): chr11:108,279,495-108,279,505, TTCCAGGACAC replaced by GTGTCCA. VCF-style: chr11-108279495-TTCCAGGACAC-GTGTCCA. GRCh37 (hg19) VCF-style: chr11-108150222-TTCCAGGACAC-GTGTCCA.
Other names: c.3289_3299delinsGTGTCCA, p.Phe1097fs (NM_001351834.2); short protein forms F1097fs.
Identifiers: ClinVar variation 2431331 (VCV002431331.1), dbSNP rs2546861534, ClinGen allele CA2580082957.